The following is an entry in ClinVar:

NM_002351.5(SH2D1A):c.23A>C (p.His8Pro)

Gene: SH2D1A (SH2 domain containing 1A; plus strand). Cytogenetic location: Xq25.
Variant type: single nucleotide variant.
Coding change: c.23A>C on transcript NM_002351.5 (MANE Select); coding-DNA position 23, A replaced by C.
Protein change: p.His8Pro; replaces histidine 8 with proline.
Molecular consequence: missense variant.
Genome position (GRCh38, 1-based): chrX:124,346,665, A>C. VCF-style: chrX-124346665-A-C. GRCh37 (hg19) VCF-style: chrX-123480515-A-C.
Other names: c.23A>C, p.His8Pro (NM_001114937.3); short protein forms H8P.
Identifiers: ClinVar variation 2501803 (VCV002501803.5), dbSNP rs2522797252, ClinGen allele CA414122208.

ClinVar aggregate classification (germline): Conflicting classifications of pathogenicity. Review status: criteria provided, conflicting classifications (1 of 4 stars). 3 submissions from 3 submitters: Pathogenic (1); Likely pathogenic (1); Uncertain significance (1). Last evaluated 2023-12-15.

Conditions:
X-linked lymphoproliferative disease due to SH2D1A deficiency (XLP1). Also called: DUNCAN DISEASE; SH2D1A-Related Lymphoproliferative Disease, X-Linked; EBV infection severe susceptibility to; Epstein Barr virus infection familial fatal; Duncan's syndrome; IMMUNODEFICIENCY 5. Identifiers: Orphanet 2442, Orphanet 538931, MedGen C5399825, MONDO:0024551, OMIM 308240.

Submissions (3):

Rady Children's Institute for Genomic Medicine, Rady Children's Hospital San Diego
Classification: Likely pathogenic for LYMPHOPROLIFERATIVE SYNDROME, X-LINKED, 1. Last evaluated: 2023-12-15. Review status: criteria provided, single submitter. Criteria: ACMG Guidelines, 2015. Collection method: clinical testing. Allele origin: germline. Affected: yes.
Comment: The c.23A>C (p.His8Pro) variant affects a highly conserved amino acid and is predicted by multiple in silico tools to have a deleterious effect on protein function. This variant has been previously reported as a hemizygous change in patients with lymphoproliferative syndrome (PMID: 35371033, 16328363, 37344829). The c.23A>C (p.His8Pro) variant is located in a mutational hotspot for missense variations reported in individuals with X-linked lymphoproliferative disorder (PMID: 11493483, 15682426). The c.23A>C (p.His8Pro) variant is absent from the gnomAD population database and thus is presumed to be rare. Based on the available evidence, c.23A>C (p.His8Pro) is classified as Likely Pathogenic.

Labcorp Genetics (formerly Invitae), Labcorp
Classification: Uncertain significance for X-linked lymphoproliferative disease due to SH2D1A deficiency. Last evaluated: 2023-11-28. Review status: criteria provided, single submitter. Criteria: Invitae Variant Classification Sherloc (09022015). Collection method: clinical testing. Allele origin: germline.
Comment: This sequence change replaces histidine, which is basic and polar, with proline, which is neutral and non-polar, at codon 8 of the SH2D1A protein (p.His8Pro). This variant is not present in population databases (gnomAD no frequency). This missense change has been observed in individual(s) with X-linked lymphoproliferative disease (PMID: 16328363). ClinVar contains an entry for this variant (Variation ID: 2501803). An algorithm developed to predict the effect of missense changes on protein structure and function (PolyPhen-2) suggests that this variant is likely to be disruptive. This variant disrupts the p.His8 amino acid residue in SH2D1A. Other variant(s) that disrupt this residue have been observed in individuals with SH2D1A-related conditions (PMID: 15682426), which suggests that this may be a clinically significant amino acid residue. In summary, the available evidence is currently insufficient to determine the role of this variant in disease. Therefore, it has been classified as a Variant of Uncertain Significance.

Genomic Medicine Center of Excellence, King Faisal Specialist Hospital and Research Centre
Classification: Pathogenic for X-linked lymphoproliferative disease due to SH2D1A deficiency. Last evaluated: 2023-05-08. Review status: criteria provided, single submitter. Criteria: ACMG Guidelines, 2015. Collection method: research. Allele origin: germline. Affected: yes.

Literature cited by the submitters: PubMed 16328363 (cited by Labcorp Genetics (formerly Invitae), Labcorp); PubMed 15682426 (cited by Labcorp Genetics (formerly Invitae), Labcorp).